The following is an entry in ClinVar:

NM_012123.4(MTO1):c.641G>C (p.Gly214Ala)

Gene: MTO1 (mitochondrial tRNA translation optimization 1; plus strand). Cytogenetic location: 6q13.
Variant type: single nucleotide variant.
Coding change: c.641G>C on transcript NM_012123.4 (MANE Select); coding-DNA position 641, G replaced by C.
Protein change: p.Gly214Ala; replaces glycine 214 with alanine.
Molecular consequence: missense variant.
Genome position (GRCh38, 1-based): chr6:73,473,470, G>C. VCF-style: chr6-73473470-G-C. GRCh37 (hg19) VCF-style: chr6-74183193-G-C.
Other names: c.641G>C, p.Gly214Ala (NM_001123226.2, NM_133645.3); short protein forms G214A.
Identifiers: ClinVar variation 4696753 (VCV004696753.1).
Genomic context (GRCh38, chr6:73,473,470, plus strand): 5'-GGACATTTCTGAGAGGCATGATTGTAATTGGATTGGAGACGCATCCAGCAGGACGTTTAG[G>C]GGATCAGCCTTCTATAGGATTGGCTCAGACACTGGAGAAGTTAGGGTTTGTGGTGGGAAG-3'
Protein context (NP_036255.2, residues 204-224): GLETHPAGRL[Gly214Ala]DQPSIGLAQT

ClinVar aggregate classification (germline): Uncertain significance (1 of 4 stars; one submission).

Conditions:
Mitochondrial hypertrophic cardiomyopathy with lactic acidosis due to MTO1 deficiency. Also called: CARDIOMYOPATHY, INFANTILE HYPERTROPHIC MITOCHONDRIAL, AND LACTIC ACIDOSIS; Combined oxidative phosphorylation deficiency 10. Identifiers: Orphanet 314637, MedGen C4749921, MONDO:0013865, OMIM 614702.

Submission:

Labcorp Genetics (formerly Invitae), Labcorp
Classification: Uncertain significance for Mitochondrial hypertrophic cardiomyopathy with lactic acidosis due to MTO1 deficiency. Last evaluated: 2025-10-22. Review status: criteria provided, single submitter. Criteria: Invitae Variant Classification Sherloc (09022015). Collection method: clinical testing. Allele origin: germline.
Comment: This sequence change replaces glycine, which is neutral and non-polar, with alanine, which is neutral and non-polar, at codon 214 of the MTO1 protein (p.Gly214Ala). This variant is not present in population databases (gnomAD no frequency). This variant has not been reported in the literature in individuals affected with MTO1-related conditions. Invitae Evidence Modeling of protein sequence and biophysical properties (such as structural, functional, and spatial information, amino acid conservation, physicochemical variation, residue mobility, and thermodynamic stability) has been performed for this missense variant. However, the output from this modeling did not meet the statistical confidence thresholds required to predict the impact of this variant on MTO1 protein function. In summary, the available evidence is currently insufficient to determine the role of this variant in disease. Therefore, it has been classified as a Variant of Uncertain Significance.